The following is an entry in ClinVar:

ClinVar aggregate classification (germline): Benign. Review status: criteria provided, multiple submitters, no conflicts (2 of 4 stars). 6 submissions from 6 submitters: Benign (6). Last evaluated 2026-02-04.

Conditions:
Primary ciliary dyskinesia. Also called: Ciliary dyskinesia. Identifiers: Orphanet 244, MedGen C0008780, MONDO:0016575, HP:0012265.

Allele frequency attached by ClinVar (database versions not stated): 1000 Genomes Project 0.10643; 1000 Genomes Project 30x 0.10696; gnomAD exomes 0.14280; ExAC 0.14578; TOPMed 0.15352; ESP Exome Variant Server 0.16846.
gnomAD v4.1: 250,241 of 1,611,998 alleles (16%); highest among the groups gnomAD compares: Middle Eastern, 21%; 20,859 homozygotes.

Submissions (6):

Labcorp Genetics (formerly Invitae), Labcorp
Classification: Benign for Primary ciliary dyskinesia. Last evaluated: 2026-02-04. Review status: criteria provided, single submitter. Criteria: Invitae Variant Classification Sherloc (09022015). Collection method: clinical testing. Allele origin: germline.

Blueprint Genetics
Classification: Benign. Last evaluated: 2024-11-27. Review status: criteria provided, single submitter. Criteria: ACMG Guidelines, 2015. Collection method: clinical testing. Allele origin: germline.

Mayo Clinic Laboratories, Mayo Clinic
Classification: Benign. Last evaluated: 2022-04-26. Review status: criteria provided, single submitter. Criteria: ACMG Guidelines, 2015. Collection method: clinical testing. Allele origin: germline. Observed: 66 variant alleles.

GeneDx
Classification: Benign. Last evaluated: 2018-11-10. Review status: criteria provided, single submitter. Criteria: GeneDx Variant Classification Process June 2021. Collection method: clinical testing. Allele origin: germline. Affected: yes.

Laboratory for Molecular Medicine, Mass General Brigham Personalized Medicine
Classification: Benign. Last evaluated: 2016-03-28. Review status: criteria provided, single submitter. Criteria: LMM Criteria. Collection method: clinical testing. Allele origin: germline.
Comment: Variant identified in a genome or exome case(s) and assessed due to predicted null impact of the variant or pathogenic assertions in the literature or databases. Disclaimer: This variant has not undergone full assessment. The following are preliminary notes: Frequency

PreventionGenetics, part of Exact Sciences
Classification: Benign. Review status: criteria provided, single submitter. Criteria: ACMG Guidelines, 2015. Collection method: clinical testing. Allele origin: germline.

NM_001206927.2(DNAH8):c.13462A>G (p.Ile4488Val)

Gene: DNAH8 (dynein axonemal heavy chain 8; plus strand). Cytogenetic location: 6p21.2.
Variant type: single nucleotide variant.
Coding change: c.13462A>G on transcript NM_001206927.2 (MANE Select); coding-DNA position 13462, A replaced by G.
Protein change: p.Ile4488Val; replaces isoleucine 4488 with valine.
Molecular consequence: missense variant.
Genome position (GRCh38, 1-based): chr6:39,012,305, A>G. VCF-style: chr6-39012305-A-G. GRCh37 (hg19) VCF-style: chr6-38980081-A-G.
Other names: c.12811A>G, p.Ile4271Val (NM_001371.4); short protein forms I4488V, I4271V.
Identifiers: ClinVar variation 257630 (VCV000257630.18), dbSNP rs10484847, ClinGen allele CA3791676.